The following is an entry in ClinVar:

NM_000293.3(PHKB):c.1681G>A (p.Gly561Arg)

Gene: PHKB (phosphorylase kinase regulatory subunit beta; plus strand). Cytogenetic location: 16q12.1.
Variant type: single nucleotide variant.
Coding change: c.1681G>A on transcript NM_000293.3 (MANE Select); coding-DNA position 1681, G replaced by A.
Protein change: p.Gly561Arg; replaces glycine 561 with arginine.
Molecular consequence: missense variant.
Genome position (GRCh38, 1-based): chr16:47,648,605, G>A. VCF-style: chr16-47648605-G-A. GRCh37 (hg19) VCF-style: chr16-47682516-G-A.
Other names: c.1660G>A, p.Gly554Arg (NM_001031835.3); c.1681G>A, p.Gly561Arg (NM_001363837.1); c.1681G>A (NM_000293.2); short protein forms G554R, G561R.
Identifiers: ClinVar variation 3350933 (VCV003350933.2).

ClinVar aggregate classification (germline): Uncertain significance. Review status: criteria provided, single submitter (1 of 4 stars). 2 submissions from 2 submitters: Uncertain significance (1). 1 of the submissions does not count toward it. Last evaluated 2025-08-02.

Conditions:
Inborn genetic diseases. Identifiers: MedGen C0950123, MeSH D030342.
PHKB-related disorder. Also called: PHKB-related condition.

gnomAD v4.1: 16 of 1,610,462 alleles (0.00099%); highest among the groups gnomAD compares: African/African-American, 0.013%; no homozygotes.

Submissions (2):

Ambry Genetics
Classification: Uncertain significance for Inborn genetic diseases. Last evaluated: 2025-08-02. Review status: criteria provided, single submitter. Criteria: Ambry Variant Classification Scheme 2023. Collection method: clinical testing. Allele origin: germline.

PreventionGenetics, part of Exact Sciences
Classification: Uncertain significance for PHKB-related condition. Last evaluated: 2024-05-08. Review status: no assertion criteria provided. Collection method: clinical testing. Allele origin: germline. Not counted in ClinVar's aggregate classification.
Comment: The PHKB c.1660G>A variant is predicted to result in the amino acid substitution p.Gly554Arg. To our knowledge, this variant has not been reported in the literature. This variant is reported in 0.012% of alleles in individuals of African descent in gnomAD. At this time, the clinical significance of this variant is uncertain due to the absence of conclusive functional and genetic evidence.